The following is an entry in ClinVar:

ClinVar aggregate classification (germline): Uncertain significance (1 of 4 stars; one submission).

Submission:

Labcorp Genetics (formerly Invitae), Labcorp
Classification: Uncertain significance. Last evaluated: 2025-09-24. Review status: criteria provided, single submitter. Criteria: Invitae Variant Classification Sherloc (09022015). Collection method: clinical testing. Allele origin: germline.
Comment: This sequence change replaces threonine, which is neutral and polar, with arginine, which is basic and polar, at codon 1743 of the ARID1A protein (p.Thr1743Arg). This variant is not present in population databases (gnomAD no frequency). This variant has not been reported in the literature in individuals affected with ARID1A-related conditions. Invitae Evidence Modeling of protein sequence and biophysical properties (such as structural, functional, and spatial information, amino acid conservation, physicochemical variation, residue mobility, and thermodynamic stability) indicates that this missense variant is not expected to disrupt ARID1A protein function with a negative predictive value of 80%. In summary, the available evidence is currently insufficient to determine the role of this variant in disease. Therefore, it has been classified as a Variant of Uncertain Significance.

NM_006015.6(ARID1A):c.5228C>G (p.Thr1743Arg)

Gene: ARID1A (AT-rich interaction domain 1A; plus strand). Cytogenetic location: 1p36.11.
Variant type: single nucleotide variant.
Coding change: c.5228C>G on transcript NM_006015.6 (MANE Select); coding-DNA position 5228, C replaced by G.
Protein change: p.Thr1743Arg; replaces threonine 1743 with arginine.
Molecular consequence: missense variant.
Genome position (GRCh38, 1-based): chr1:26,779,126, C>G. VCF-style: chr1-26779126-C-G. GRCh37 (hg19) VCF-style: chr1-27105617-C-G.
Other names: c.4577C>G, p.Thr1526Arg (NM_139135.4); short protein forms T1526R, T1743R.
Identifiers: ClinVar variation 4742130 (VCV004742130.1).
Genomic context (GRCh38, chr1:26,779,126, plus strand): 5'-GCCTGATTGAGATCTTTGGCATTTTAAAGGAGTATGAGGTGGGTGACCCAGGACAGAGAA[C>G]GCTACTGGATCCTGGGAGGTTCAGCAAGGTGTCTAGTCCAGCTCCCATGGAGGGTGGGGA-3'
Protein context (NP_006006.3, residues 1733-1753): EYEVGDPGQR[Thr1743Arg]LLDPGRFSKV